The following is an entry in ClinVar:

NM_000501.4(ELN):c.1432G>A (p.Gly478Ser)

Genes: ELN (elastin; plus strand), ELN-AS1 (ELN antisense RNA 1; minus strand). Cytogenetic location: 7q11.23.
Variant type: single nucleotide variant.
Coding change: c.1432G>A on transcript NM_000501.4 (MANE Select); coding-DNA position 1432, G replaced by A.
Protein change: p.Gly478Ser; replaces glycine 478 with serine.
Molecular consequence: missense variant. On other transcripts: non-coding transcript variant (1).
Genome position (GRCh38, 1-based): chr7:74,059,903, G>A. VCF-style: chr7-74059903-G-A. GRCh37 (hg19) VCF-style: chr7-73474233-G-A.
Other names: c.1345G>A, p.Gly449Ser (NM_001081752.3); c.1390G>A, p.Gly464Ser (NM_001081753.3); c.1447G>A, p.Gly483Ser (NM_001081754.3); c.1375G>A, p.Gly459Ser (NM_001081755.3); c.1432G>A, p.Gly478Ser (NM_001278912.2); c.1189G>A, p.Gly397Ser (NM_001278913.2); c.1360G>A, p.Gly454Ser (NM_001278914.2); c.1450G>A, p.Gly484Ser (NM_001278915.2); and 4 more; short protein forms G454S, G478S, G507S, G445S, G389S, G397S, G449S, G468S.
Identifiers: ClinVar variation 2859412 (VCV002859412.3), dbSNP rs373060543, ClinGen allele CA4293060.

ClinVar aggregate classification (germline): Uncertain significance (1 of 4 stars; one submission).

Conditions:
Supravalvar aortic stenosis (SVAS). Also called: Supravalvar aortic stenosis, Eisenberg type. Identifiers: Orphanet 3193, MedGen C0003499, MONDO:0008504, OMIM 185500, HP:0004381.

Allele frequency attached by ClinVar (database versions not stated): ExAC 0.00002; TOPMed 0.00003; gnomAD 0.00007; ESP Exome Variant Server 0.00008; 1000 Genomes Project 30x 0.00016; 1000 Genomes Project 0.00020.
gnomAD v4.1: 32 of 1,415,566 alleles (0.0023%); highest among the groups gnomAD compares: African/African-American, 0.0084%; no homozygotes.

Submission:

Labcorp Genetics (formerly Invitae), Labcorp
Classification: Uncertain significance for Supravalvar aortic stenosis. Last evaluated: 2025-04-17. Review status: criteria provided, single submitter. Criteria: Invitae Variant Classification Sherloc (09022015). Collection method: clinical testing. Allele origin: germline.
Comment: This sequence change replaces glycine, which is neutral and non-polar, with serine, which is neutral and polar, at codon 507 of the ELN protein (p.Gly507Ser). This variant is present in population databases (rs373060543, gnomAD 0.005%). This variant has not been reported in the literature in individuals affected with ELN-related conditions. ClinVar contains an entry for this variant (Variation ID: 2859412). Invitae Evidence Modeling of protein sequence and biophysical properties (such as structural, functional, and spatial information, amino acid conservation, physicochemical variation, residue mobility, and thermodynamic stability) indicates that this missense variant is not expected to disrupt ELN protein function with a negative predictive value of 80%. In summary, the available evidence is currently insufficient to determine the role of this variant in disease. Therefore, it has been classified as a Variant of Uncertain Significance.